The following is an entry in ClinVar:

NM_001272046.2(VWA2):c.47C>T (p.Ser16Phe)

Gene: VWA2 (von Willebrand factor A domain containing 2; plus strand). Cytogenetic location: 10q25.3.
Variant type: single nucleotide variant.
Coding change: c.47C>T on transcript NM_001272046.2 (MANE Select); coding-DNA position 47, C replaced by T.
Protein change: p.Ser16Phe; replaces serine 16 with phenylalanine.
Molecular consequence: missense variant.
Genome position (GRCh38, 1-based): chr10:114,248,760, C>T. VCF-style: chr10-114248760-C-T. GRCh37 (hg19) VCF-style: chr10-116008519-C-T.
Other names: c.47C>T, p.Ser16Phe (NM_001320804.1); short protein forms S16F.
Identifiers: ClinVar variation 2634928 (VCV002634928.1), dbSNP rs1032492627, ClinGen allele CA214535928.
Genomic context (GRCh38, chr10:114,248,760, plus strand): 5'-GTAGTTATATCAACATGCCCCCTTTCCTGTTGCTGGAAGCCGTCTGTGTTTTCCTGTTTT[C>T]CAGAGGTAAGATGTGTTTATTGGTGGTGGGGAAGTACTGGCGTGTTGAGTAGGGGGGTTG-3'
Protein context (NP_001258975.1, residues 6-26): LLEAVCVFLF[Ser16Phe]RVPPSLPLQE

ClinVar aggregate classification (germline): Uncertain significance (1 of 4 stars; one submission).

Conditions:
VWA2-related disorder. Also called: VWA2-related condition.

Allele frequency attached by ClinVar (database versions not stated): gnomAD exomes 0.00001; gnomAD 0.00007.
gnomAD v4.1: 18 of 1,613,458 alleles (0.0011%); highest among the groups gnomAD compares: Middle Eastern, 0.016%; no homozygotes.

Submission:

PreventionGenetics, part of Exact Sciences
Classification: Uncertain significance for VWA2-related condition. Last evaluated: 2023-09-25. Review status: criteria provided, single submitter. Criteria: ACMG Guidelines, 2015. Collection method: clinical testing. Allele origin: germline.
Comment: The VWA2 c.47C>T variant is predicted to result in the amino acid substitution p.Ser16Phe. To our knowledge, this variant has not been reported in the literature. This variant is reported in 0.0029% of alleles in individuals of Latino descent in gnomAD. At this time, the clinical significance of this variant is uncertain due to the absence of conclusive functional and genetic evidence.